The following is an entry in ClinVar:

ClinVar aggregate classification (germline): Benign. Review status: criteria provided, multiple submitters, no conflicts (2 of 4 stars). 11 submissions from 11 submitters: Benign (10). 1 of the submissions does not count toward it. Last evaluated 2026-02-04.

Conditions:
Retinal dystrophy. Also called: Inherited retinal dystrophy. Identifiers: Orphanet 71862, MedGen C0854723, MeSH D058499, MONDO:0019118, HP:0000556.
Usher syndrome type 2A. Also called: USHER SYNDROME, TYPE IIA; RETINAL DISEASE IN USHER SYNDROME TYPE IIA, MODIFIER OF. Identifiers: Orphanet 231178, Orphanet 886, MedGen C1848634, MONDO:0010169, OMIM 276901.

Allele frequency attached by ClinVar (database versions not stated): gnomAD exomes 0.59429 and 0.64847; 1000 Genomes Project 0.59565; 1000 Genomes Project 30x 0.60119; ExAC 0.60693; TOPMed 0.65714; gnomAD 0.66760 and 0.67783; ESP Exome Variant Server 0.70045.
gnomAD v4.1: 1,048,659 of 1,612,566 alleles (65%); highest among the groups gnomAD compares: African/African-American, 77%; 346,400 homozygotes.

Submissions (11):

Labcorp Genetics (formerly Invitae), Labcorp
Classification: Benign. Last evaluated: 2026-02-04. Review status: criteria provided, single submitter. Criteria: Invitae Variant Classification Sherloc (09022015). Collection method: clinical testing. Allele origin: germline.

Blueprint Genetics
Classification: Benign. Last evaluated: 2024-11-26. Review status: criteria provided, single submitter. Criteria: ACMG Guidelines, 2015. Collection method: clinical testing. Allele origin: germline.

ARUP Laboratories, Molecular Genetics and Genomics, ARUP Laboratories
Classification: Benign. Last evaluated: 2023-11-29. Review status: criteria provided, single submitter. Criteria: ARUP Molecular Germline Variant Investigation Process 2024. Collection method: clinical testing. Allele origin: germline.

Dept Of Ophthalmology, Nagoya University
Classification: Benign for Retinal dystrophy. Last evaluated: 2023-10-01. Review status: criteria provided, single submitter. Criteria: Submitter's publication. Collection method: research. Allele origin: germline. Affected: yes.

Women's Health and Genetics/Laboratory Corporation of America, LabCorp
Classification: Benign. Last evaluated: 2023-04-10. Review status: criteria provided, single submitter. Criteria: LabCorp Variant Classification Summary - May 2015. Collection method: clinical testing. Allele origin: germline.

Genome-Nilou Lab
Classification: Benign for Usher syndrome type 2A. Last evaluated: 2021-07-01. Review status: criteria provided, single submitter. Criteria: ACMG Guidelines, 2015. Collection method: clinical testing. Allele origin: germline. Affected: no.

Mendelics
Classification: Benign for Usher syndrome type 2A. Last evaluated: 2019-05-28. Review status: criteria provided, single submitter. Criteria: Mendelics Assertion Criteria 2017. Collection method: clinical testing. Allele origin: unknown.

Eurofins Ntd Llc (ga)
Classification: Benign. Last evaluated: 2013-03-06. Review status: criteria provided, single submitter. Criteria: EGL Classification Definitions 2015. Collection method: clinical testing. Allele origin: germline. Observed: 4 variant alleles, 4 heterozygotes.

Laboratory for Molecular Medicine, Mass General Brigham Personalized Medicine
Classification: Benign. Last evaluated: 2012-02-02. Review status: criteria provided, single submitter. Criteria: LMM Criteria. Collection method: clinical testing. Allele origin: germline. Observed: 1,534 variant alleles.
Comment: Inferred frequency = 157/386 (LMM data)

Breakthrough Genomics
Classification: Benign. Review status: criteria provided, single submitter. Criteria: ACMG Guidelines, 2015. Collection method: not provided. Allele origin: germline. Inheritance: Autosomal recessive inheritance. Affected: yes.

Natera, Inc.
Classification: Benign for Usher syndrome type 2A. Last evaluated: 2019-11-18. Review status: no assertion criteria provided. Collection method: clinical testing. Allele origin: germline. Not counted in ClinVar's aggregate classification.

NM_206933.4(USH2A):c.6317T>C (p.Ile2106Thr)

Gene: USH2A (usherin; minus strand). Cytogenetic location: 1q41.
Variant type: single nucleotide variant.
Coding change: c.6317T>C on transcript NM_206933.4 (MANE Select); coding-DNA position 6317, T replaced by C.
Protein change: p.Ile2106Thr; replaces isoleucine 2106 with threonine.
Molecular consequence: missense variant.
Genome position (GRCh38, 1-based): chr1:216,046,439, A>G on the plus strand (T>C on the coding strand, the complement: USH2A is on the minus strand). VCF-style: chr1-216046439-A-G. GRCh37 (hg19) VCF-style: chr1-216219781-A-G.
Other names: c.6317C>C (NM_206933.2).
Identifiers: ClinVar variation 167815 (VCV000167815.45), dbSNP rs6657250, ClinGen allele CA180473.